The following is an entry in ClinVar:

ClinVar aggregate classification (germline): Uncertain significance. Review status: criteria provided, multiple submitters, no conflicts (2 of 4 stars). 2 submissions from 2 submitters: Uncertain significance (2). Last evaluated 2025-06-09.

Conditions:
Inborn genetic diseases. Identifiers: MedGen C0950123, MeSH D030342.
MHC class II deficiency. Also called: Bare lymphocyte syndrome 2; BLS, TYPE II. Identifiers: Orphanet 572, MedGen C5447452, MONDO:0008855.

Allele frequency attached by ClinVar (database versions not stated): gnomAD exomes 0.00001; ExAC 0.00007; ESP Exome Variant Server 0.00008; gnomAD 0.00016; TOPMed 0.00018.
gnomAD v4.1: 38 of 1,614,042 alleles (0.0024%); highest among the groups gnomAD compares: African/African-American, 0.051%; no homozygotes.

Submissions (2):

Labcorp Genetics (formerly Invitae), Labcorp
Classification: Uncertain significance for MHC class II deficiency. Last evaluated: 2025-06-09. Review status: criteria provided, single submitter. Criteria: Invitae Variant Classification Sherloc (09022015). Collection method: clinical testing. Allele origin: germline.
Comment: This sequence change replaces leucine, which is neutral and non-polar, with valine, which is neutral and non-polar, at codon 249 of the RFXANK protein (p.Leu249Val). This variant is present in population databases (rs377064458, gnomAD 0.07%). This variant has not been reported in the literature in individuals affected with RFXANK-related conditions. ClinVar contains an entry for this variant (Variation ID: 2085639). Invitae Evidence Modeling of protein sequence and biophysical properties (such as structural, functional, and spatial information, amino acid conservation, physicochemical variation, residue mobility, and thermodynamic stability) has been performed for this missense variant. However, the output from this modeling did not meet the statistical confidence thresholds required to predict the impact of this variant on RFXANK protein function. In summary, the available evidence is currently insufficient to determine the role of this variant in disease. Therefore, it has been classified as a Variant of Uncertain Significance.

Ambry Genetics
Classification: Uncertain significance for Inborn genetic diseases. Last evaluated: 2023-04-08. Review status: criteria provided, single submitter. Criteria: Ambry Variant Classification Scheme 2023. Collection method: clinical testing. Allele origin: germline.

NM_003721.4(RFXANK):c.745C>G (p.Leu249Val)

Genes: NR2C2AP (nuclear receptor 2C2 associated protein; minus strand), RFXANK (regulatory factor X associated ankyrin containing protein; plus strand). Cytogenetic location: 19p13.11.
Variant type: single nucleotide variant.
Coding change: c.745C>G on transcript NM_003721.4 (MANE Select); coding-DNA position 745, C replaced by G.
Protein change: p.Leu249Val; replaces leucine 249 with valine.
Molecular consequence: missense variant. On other transcripts: 3 prime UTR variant (1), intron variant (1).
Genome position (GRCh38, 1-based): chr19:19,201,681, C>G. VCF-style: chr19-19201681-C-G. GRCh37 (hg19) VCF-style: chr19-19312490-C-G.
Other names: c.*244G>C (NM_176880.6); c.679C>G, p.Leu227Val (NM_001278727.2, NM_001370234.1); c.676C>G, p.Leu226Val (NM_001278728.2, NM_134440.3); c.745C>G, p.Leu249Val (NM_001370233.1); c.742C>G, p.Leu248Val (NM_001370235.1, NM_001370236.1); c.817C>G, p.Leu273Val (NM_001370237.1); c.820C>G, p.Leu274Val (NM_001370238.1); c.415-118G>C (NM_001300945.2); short protein forms L227V, L249V, L273V, L274V, L226V, L248V.
Identifiers: ClinVar variation 2085639 (VCV002085639.6), dbSNP rs377064458, ClinGen allele CA9322947.